The following is an entry in ClinVar:

ClinVar aggregate classification (germline): Conflicting classifications of pathogenicity. Review status: criteria provided, conflicting classifications (1 of 4 stars). 2 submissions from 2 submitters: Uncertain significance (1); Likely benign (1). Last evaluated 2024-02-23.

Conditions:
PURA-related severe neonatal hypotonia-seizures-encephalopathy syndrome (NEDRIHF). Also called: PURA-Related Neurodevelopmental Disorders; NEURODEVELOPMENTAL DISORDER WITH NEONATAL RESPIRATORY INSUFFICIENCY, HYPOTONIA, AND FEEDING DIFFICULTIES. Identifiers: Orphanet 438213, Orphanet 438216, MedGen C4015357, MONDO:1060108, OMIM 616158, MONDO:0018580.

Submissions (2):

Labcorp Genetics (formerly Invitae), Labcorp
Classification: Uncertain significance for PURA-related severe neonatal hypotonia-seizures-encephalopathy syndrome. Last evaluated: 2024-02-23. Review status: criteria provided, single submitter. Criteria: Invitae Variant Classification Sherloc (09022015). Collection method: clinical testing. Allele origin: germline.
Comment: This sequence change affects codon 236 of the PURA mRNA. It is a 'silent' change, meaning that it does not change the encoded amino acid sequence of the PURA protein. This variant is not present in population databases (gnomAD no frequency). This variant has not been reported in the literature in individuals affected with PURA-related conditions. In summary, the available evidence is currently insufficient to determine the role of this variant in disease. Therefore, it has been classified as a Variant of Uncertain Significance.

Blueprint Genetics
Classification: Likely benign. Last evaluated: 2020-03-17. Review status: criteria provided, single submitter. Criteria: ACMG Guidelines, 2015. Collection method: clinical testing. Allele origin: germline.

NM_005859.5(PURA):c.708C>T (p.Gly236=)

Gene: PURA (purine rich element binding protein A; plus strand). Cytogenetic location: 5q31.3.
Variant type: single nucleotide variant.
Coding change: c.708C>T on transcript NM_005859.5 (MANE Select); coding-DNA position 708, C replaced by T.
Protein change: p.Gly236=; no amino-acid change (glycine 236 retained).
Molecular consequence: synonymous variant.
Genome position (GRCh38, 1-based): chr5:140,114,889, C>T. VCF-style: chr5-140114889-C-T. GRCh37 (hg19) VCF-style: chr5-139494474-C-T.
Identifiers: ClinVar variation 3681821 (VCV003681821.3).
Genomic context (GRCh38, chr5:140,114,889, plus strand): 5'-CGAGCTGCCCGAGGGCACCTCCTTGACTGTGGACAACAAGCGCTTCTTCTTCGATGTGGG[C>T]TCCAACAAGTACGGCGTGTTTATGCGAGTGAGCGAGGTGAAGCCCACCTATCGCAACTCC-3'
Protein context (NP_005850.1, residues 226-246): VDNKRFFFDV[Gly236=]SNKYGVFMRV